The following is an entry in ClinVar:

NM_000350.3(ABCA4):c.731T>C (p.Leu244Pro)

Gene: ABCA4 (ATP binding cassette subfamily A member 4; minus strand). Cytogenetic location: 1p22.1.
Variant type: single nucleotide variant.
Coding change: c.731T>C on transcript NM_000350.3 (MANE Select); coding-DNA position 731, T replaced by C.
Protein change: p.Leu244Pro; replaces leucine 244 with proline.
Molecular consequence: missense variant.
Genome position (GRCh38, 1-based): chr1:94,098,831, A>G on the plus strand (T>C on the coding strand, the complement: ABCA4 is on the minus strand). VCF-style: chr1-94098831-A-G. GRCh37 (hg19) VCF-style: chr1-94564387-A-G.
Other names: c.731T>C, p.Leu244Pro (NM_001425324.1); short protein forms L244P.
Identifiers: ClinVar variation 99500 (VCV000099500.12), dbSNP rs62646864, ClinGen allele CA227451.

ClinVar aggregate classification (germline): Pathogenic/Likely pathogenic. Review status: criteria provided, multiple submitters, no conflicts (2 of 4 stars). 4 submissions from 4 submitters: Pathogenic (2); Likely pathogenic (1). 1 of the submissions does not count toward it. Last evaluated 2023-11-27.

Conditions:
ABCA4-related disorder. Also called: ABCA4-related disorders; ABCA4-related condition. Identifiers: MedGen CN239167.

Allele frequency attached by ClinVar (database versions not stated): gnomAD exomes below 0.00001; ExAC 0.00001.

Submissions (4):

Labcorp Genetics (formerly Invitae), Labcorp
Classification: Pathogenic. Last evaluated: 2023-11-27. Review status: criteria provided, single submitter. Criteria: Invitae Variant Classification Sherloc (09022015). Collection method: clinical testing. Allele origin: germline.
Comment: This sequence change replaces leucine, which is neutral and non-polar, with proline, which is neutral and non-polar, at codon 244 of the ABCA4 protein (p.Leu244Pro). This variant is present in population databases (rs62646864, gnomAD 0.0009%). This missense change has been observed in individuals with cone-rod dystrophy and Stargardt disease (PMID: 11527935, 18285826, 19074458). ClinVar contains an entry for this variant (Variation ID: 99500). Advanced modeling of protein sequence and biophysical properties (such as structural, functional, and spatial information, amino acid conservation, physicochemical variation, residue mobility, and thermodynamic stability) performed at Invitae indicates that this missense variant is expected to disrupt ABCA4 protein function with a positive predictive value of 95%. For these reasons, this variant has been classified as Pathogenic.

GeneDx
Classification: Likely pathogenic. Last evaluated: 2022-04-18. Review status: criteria provided, single submitter. Criteria: GeneDx Variant Classification Process June 2021. Collection method: clinical testing. Allele origin: germline. Affected: yes.
Comment: Not observed at significant frequency in large population cohorts (gnomAD); In silico analysis supports that this missense variant has a deleterious effect on protein structure/function; This variant is associated with the following publications: (PMID: 18285826, 11527935, 19074458)

Blueprint Genetics
Classification: Pathogenic for ABCA4-related disorders. Last evaluated: 2019-11-27. Review status: criteria provided, single submitter. Criteria: ACMG Guidelines, 2015. Collection method: clinical testing. Allele origin: germline. Affected: yes. Observed: 2 variant alleles.

Retina International
No classification provided. Review status: no classification provided. Collection method: not provided. Allele origin: not provided. Not counted in ClinVar's aggregate classification.

Literature cited by the submitters: PubMed 11527935 (cited by Labcorp Genetics (formerly Invitae), Labcorp); PubMed 18285826 (cited by Labcorp Genetics (formerly Invitae), Labcorp); PubMed 19074458 (cited by Labcorp Genetics (formerly Invitae), Labcorp).